The following is an entry in ClinVar:

ClinVar aggregate classification (germline): Uncertain significance. Review status: criteria provided, multiple submitters, no conflicts (2 of 4 stars). 3 submissions from 3 submitters: Uncertain significance (3). Last evaluated 2021-08-23.

Conditions:
Autosomal recessive limb-girdle muscular dystrophy type 2J (LGMDR10). Also called: MUSCULAR DYSTROPHY, LIMB-GIRDLE, AUTOSOMAL RECESSIVE 10; Limb-girdle muscular dystrophy, type 2J. Identifiers: Orphanet 140922, MedGen C1837342, MONDO:0012127, OMIM 608807.
Hypertrophic cardiomyopathy 9. Also called: Familial hypertrophic cardiomyopathy 9. Identifiers: MedGen C1861065, MONDO:0013412, OMIM 613765.
Dilated cardiomyopathy 1G (CMD1G). Identifiers: Orphanet 154, MedGen C1858763, MONDO:0011400, OMIM 604145.
Tibial muscular dystrophy (TMD). Also called: Tibial muscular dystrophy, tardive; Udd Distal Myopathy – Tibial Muscular Dystrophy; UDD MYOPATHY. Identifiers: Orphanet 609, MedGen C1838244, MONDO:0010870, OMIM 600334.
Early-onset myopathy with fatal cardiomyopathy (CMYO5). Also called: CONGENITAL MYOPATHY 5 WITH CARDIOMYOPATHY; Salih Myopathy. Identifiers: Orphanet 289377, MedGen C2673677, MONDO:0012714, OMIM 611705. Disease mechanism: loss of function.
Myopathy, myofibrillar, 9, with early respiratory failure (MFM9). Also called: Myopathy, distal, with early respiratory failure, autosomal dominant; Hereditary myopathy with early respiratory failure; EDSTROM MYOPATHY; MYOPATHY, PROXIMAL, WITH EARLY RESPIRATORY MUSCLE INVOLVEMENT. Identifiers: Orphanet 178464, Orphanet 34521, MedGen C1863599, MONDO:0011362, OMIM 603689.

Allele frequency attached by ClinVar (database versions not stated): ExAC 0.00004; gnomAD 0.00004; gnomAD exomes 0.00004; TOPMed 0.00005; ESP Exome Variant Server 0.00008; 1000 Genomes Project 30x 0.00016; 1000 Genomes Project 0.00020.
gnomAD v4.1: 61 of 1,612,914 alleles (0.0038%); highest among the groups gnomAD compares: Admixed American, 0.01%; no homozygotes.

Submissions (3):

Fulgent Genetics
Classification: Uncertain significance for Tibial muscular dystrophy; Myopathy, myofibrillar, 9, with early respiratory failure; Dilated cardiomyopathy 1G; Autosomal recessive limb-girdle muscular dystrophy type 2J; Early-onset myopathy with fatal cardiomyopathy; Hypertrophic cardiomyopathy 9. Last evaluated: 2021-08-23. Review status: criteria provided, single submitter. Criteria: ACMG Guidelines, 2015. Collection method: clinical testing. Allele origin: unknown.

ARUP Laboratories, Molecular Genetics and Genomics, ARUP Laboratories
Classification: Uncertain significance. Last evaluated: 2019-05-26. Review status: criteria provided, single submitter. Criteria: ARUP Molecular Germline Variant Investigation Process. Collection method: clinical testing. Allele origin: germline.
Comment: The TTN c.12973C>T; p.Arg4325Cys variant (rs142273664; ClinVar Variation ID: 593820) is rare in the general population (<1% allele frequency in the Genome Aggregation Database) and has not been reported in the medical literature in association with dilated cardiomyopathy (DCM) or other TTN-related disease. The clinical relevance of rare missense variants in this gene, which are identified on average once per individual sequenced in affected populations (Herman 2012), is not well understood. Yet, evidence suggests that the vast majority of such missense variants do not contribute to the clinical outcome of DCM (Begay 2015). Thus, the clinical significance of the p.Arg4325Cys variant cannot be determined with certainty. References: Begay RL et al. Role of Titin Missense Variants in Dilated Cardiomyopathy. J Am Heart Assoc. 2015 Nov 13;4(11). Herman DS et al. Truncations of titin causing dilated cardiomyopathy. N Engl J Med. 2012 Feb 16;366(7):619-28. Linke and Hamdani. Gigantic business: titin properties and function through thick and thin. Circ Res 2014; 114(6): 1052-1068.

Eurofins Ntd Llc (ga)
Classification: Uncertain significance. Last evaluated: 2017-08-25. Review status: criteria provided, single submitter. Criteria: EGL Classification Definitions 2015. Collection method: clinical testing. Allele origin: germline. Observed: 1 variant allele, 1 heterozygote.

NM_133379.5(TTN):c.12973C>T (p.Arg4325Cys)

Gene: TTN (titin; minus strand). Cytogenetic location: 2q31.2.
Variant type: single nucleotide variant.
Coding change: c.12973C>T on transcript NM_133379.5; coding-DNA position 12973, C replaced by T.
Protein change: p.Arg4325Cys; replaces arginine 4325 with cysteine.
Molecular consequence: missense variant. On other transcripts: intron variant (6).
Genome position (GRCh38, 1-based): chr2:178,749,427, G>A on the plus strand (C>T on the coding strand, the complement: TTN is on the minus strand). VCF-style: chr2-178749427-G-A. GRCh37 (hg19) VCF-style: chr2-179614154-G-A.
Other names: c.10222+3697C>T (NM_003319.4); c.10798+3697C>T (NM_133437.4); c.10597+3697C>T (NM_133432.3); c.10360+3697C>T (NM_133378.4, NM_001256850.1); c.11311+3697C>T (NM_001267550.2); short protein forms R4325C.
Identifiers: ClinVar variation 593820 (VCV000593820.14), dbSNP rs142273664, ClinGen allele CA2003477.